The following is an entry in ClinVar:

NM_006231.4(POLE):c.4694G>A (p.Cys1565Tyr)

Gene: POLE (DNA polymerase epsilon, catalytic subunit; minus strand). Cytogenetic location: 12q24.33.
Variant type: single nucleotide variant.
Coding change: c.4694G>A on transcript NM_006231.4 (MANE Select); coding-DNA position 4694, G replaced by A.
Protein change: p.Cys1565Tyr; replaces cysteine 1565 with tyrosine.
Molecular consequence: missense variant.
Genome position (GRCh38, 1-based): chr12:132,642,854, C>T on the plus strand (G>A on the coding strand, the complement: POLE is on the minus strand). VCF-style: chr12-132642854-C-T. GRCh37 (hg19) VCF-style: chr12-133219440-C-T.
Other names: short protein forms C1565Y.
Identifiers: ClinVar variation 1742496 (VCV001742496.7), dbSNP rs2138539330, ClinGen allele CA387378759.

ClinVar aggregate classification (germline): Uncertain significance. Review status: criteria provided, multiple submitters, no conflicts (2 of 4 stars). 2 submissions from 2 submitters: Uncertain significance (2). Last evaluated 2022-07-19.

Conditions:
Hereditary cancer-predisposing syndrome. Also called: Hereditary Cancer Syndrome; Hereditary neoplastic syndrome; Neoplastic Syndromes, Hereditary; Tumor predisposition. Identifiers: Orphanet 140162, MedGen C0027672, MeSH D009386, MONDO:0015356.

Allele frequency attached by ClinVar (database versions not stated): gnomAD exomes below 0.00001.
gnomAD v4.1: 1 of 1,614,082 alleles (0.000062%); highest among the groups gnomAD compares: African/African-American, 0.0013%; no homozygotes.

Submissions (2):

Labcorp Genetics (formerly Invitae), Labcorp
Classification: Uncertain significance. Last evaluated: 2022-07-19. Review status: criteria provided, single submitter. Criteria: Invitae Variant Classification Sherloc (09022015). Collection method: clinical testing. Allele origin: germline.
Comment: In summary, the available evidence is currently insufficient to determine the role of this variant in disease. Therefore, it has been classified as a Variant of Uncertain Significance. Algorithms developed to predict the effect of missense changes on protein structure and function output the following: SIFT: "Tolerated"; PolyPhen-2: "Benign"; Align-GVGD: "Class C0". The tyrosine amino acid residue is found in multiple mammalian species, which suggests that this missense change does not adversely affect protein function. This variant has not been reported in the literature in individuals affected with POLE-related conditions. This variant is not present in population databases (gnomAD no frequency). This sequence change replaces cysteine, which is neutral and slightly polar, with tyrosine, which is neutral and polar, at codon 1565 of the POLE protein (p.Cys1565Tyr).

Ambry Genetics
Classification: Uncertain significance for Hereditary cancer-predisposing syndrome. Last evaluated: 2022-05-12. Review status: criteria provided, single submitter. Criteria: Ambry Variant Classification Scheme 2023. Collection method: clinical testing. Allele origin: germline.
Comment: The p.C1565Y variant (also known as c.4694G>A), located in coding exon 36 of the POLE gene, results from a G to A substitution at nucleotide position 4694. The cysteine at codon 1565 is replaced by tyrosine, an amino acid with highly dissimilar properties. This amino acid position is conserved. In addition, this alteration is predicted to be tolerated by in silico analysis. Since supporting evidence is limited at this time, the clinical significance of this alteration remains unclear.